The following is an entry in ClinVar:

NM_006545.5(NPRL2):c.1082G>A (p.Ser361Asn)

Gene: NPRL2 (NPR2 like, GATOR1 complex subunit; minus strand). Cytogenetic location: 3p21.31.
Variant type: single nucleotide variant.
Coding change: c.1082G>A on transcript NM_006545.5 (MANE Select); coding-DNA position 1082, G replaced by A.
Protein change: p.Ser361Asn; replaces serine 361 with asparagine.
Molecular consequence: missense variant.
Genome position (GRCh38, 1-based): chr3:50,347,667, C>T on the plus strand (G>A on the coding strand, the complement: NPRL2 is on the minus strand). VCF-style: chr3-50347667-C-T. GRCh37 (hg19) VCF-style: chr3-50385098-C-T.
Other names: c.1082G>A (NM_006545.4); short protein forms S361N.
Identifiers: ClinVar variation 1013477 (VCV001013477.42), dbSNP rs760049174, ClinGen allele CA2417376.
Genomic context (GRCh38, chr3:50,347,667, plus strand): 5'-CACTTCCAGCAGATGATGATGTTGGGGTCATTTTCAAGCCGCTCATCCAGCTCATGGTAG[C>T]TCATGCCTGGGTGGGGTGGTGGAGGAGAGGTCAGTGGCCTTGGCCTGGCCACCCTGCCCT-3'
Protein context (NP_006536.3, residues 351-371): YDEICCKTGM[Ser361Asn]YHELDERLEN

ClinVar aggregate classification (germline): Conflicting classifications of pathogenicity. Review status: criteria provided, conflicting classifications (1 of 4 stars). 4 submissions from 4 submitters: Uncertain significance (3); Likely benign (1). Last evaluated 2026-04-15.

Conditions:
NPRL2-related disorder. Also called: NPRL2-related condition.
Inborn genetic diseases. Identifiers: MedGen C0950123, MeSH D030342.

Allele frequency attached by ClinVar (database versions not stated): ExAC 0.00001; gnomAD exomes 0.00001; gnomAD 0.00004; TOPMed 0.00005.
gnomAD v4.1: 76 of 1,613,978 alleles (0.0047%); highest among the groups gnomAD compares: Non-Finnish European, 0.0059%; no homozygotes.

Submissions (4):

PreventionGenetics, part of Exact Sciences
Classification: Likely benign for NPRL2-related condition. Last evaluated: 2026-04-15. Review status: criteria provided, single submitter. Criteria: ACMG Guidelines, 2015. Collection method: clinical testing. Allele origin: germline.
Comment: This variant is classified as likely benign based on ACMG/AMP sequence variant interpretation guidelines (Richards et al. 2015 PMID: 25741868, with internal and published modifications).

Women's Health and Genetics/Laboratory Corporation of America, LabCorp
Classification: Uncertain significance. Last evaluated: 2024-10-07. Review status: criteria provided, single submitter. Criteria: LabCorp Variant Classification Summary - May 2015. Collection method: clinical testing. Allele origin: germline.
Comment: Variant summary: NPRL2 c.1082G>A (p.Ser361Asn) results in a conservative amino acid change in the encoded protein sequence. Three of five in-silico tools predict a benign effect of the variant on protein function. The variant allele was found at a frequency of 1.2e-05 in 251376 control chromosomes. The available data on variant occurrences in the general population are insufficient to allow any conclusion about variant significance. To our knowledge, no occurrence of c.1082G>A in individuals affected with Epilepsy, Familial Focal, With Variable Foci 2 and no experimental evidence demonstrating its impact on protein function have been reported. ClinVar contains an entry for this variant (Variation ID: 1013477). Based on the evidence outlined above, the variant was classified as uncertain significance.

CeGaT Center for Human Genetics Tuebingen
Classification: Uncertain significance. Last evaluated: 2022-07-01. Review status: criteria provided, single submitter. Criteria: CeGaT Center For Human Genetics Tuebingen Variant Classification Criteria Version 2. Collection method: clinical testing. Allele origin: germline. Affected: yes. Observed: 2 variant alleles.
Comment: NPRL2: PM2

Ambry Genetics
Classification: Uncertain significance for Inborn genetic diseases. Last evaluated: 2021-09-17. Review status: criteria provided, single submitter. Criteria: Ambry Variant Classification Scheme 2023. Collection method: clinical testing. Allele origin: germline.